The following is an entry in ClinVar:

NM_007055.4(POLR3A):c.2006G>A (p.Arg669Gln)

Gene: POLR3A (RNA polymerase III subunit A; minus strand). Cytogenetic location: 10q22.3.
Variant type: single nucleotide variant.
Coding change: c.2006G>A on transcript NM_007055.4 (MANE Select); coding-DNA position 2006, G replaced by A.
Protein change: p.Arg669Gln; replaces arginine 669 with glutamine.
Molecular consequence: missense variant.
Genome position (GRCh38, 1-based): chr10:78,007,770, C>T on the plus strand (G>A on the coding strand, the complement: POLR3A is on the minus strand). VCF-style: chr10-78007770-C-T. GRCh37 (hg19) VCF-style: chr10-79767528-C-T.
Other names: short protein forms R669Q.
Identifiers: ClinVar variation 1445212 (VCV001445212.10), dbSNP rs770551721, ClinGen allele CA5571256.

ClinVar aggregate classification (germline): Uncertain significance. Review status: criteria provided, multiple submitters, no conflicts (2 of 4 stars). 3 submissions from 3 submitters: Uncertain significance (3). Last evaluated 2023-08-02.

Conditions:
Inborn genetic diseases. Identifiers: MedGen C0950123, MeSH D030342.

Allele frequency attached by ClinVar (database versions not stated): ExAC 0.00002; gnomAD exomes 0.00002; TOPMed 0.00002; gnomAD 0.00005 and 0.00006.
gnomAD v4.1: 18 of 1,613,956 alleles (0.0011%); highest among the groups gnomAD compares: African/African-American, 0.012%; no homozygotes.

Submissions (3):

Ambry Genetics
Classification: Uncertain significance for Inborn genetic diseases. Last evaluated: 2023-08-02. Review status: criteria provided, single submitter. Criteria: Ambry Variant Classification Scheme 2023. Collection method: clinical testing. Allele origin: germline.

GeneDx
Classification: Uncertain significance. Last evaluated: 2022-07-06. Review status: criteria provided, single submitter. Criteria: GeneDx Variant Classification Process June 2021. Collection method: clinical testing. Allele origin: germline. Affected: yes.
Comment: In silico analysis supports that this missense variant has a deleterious effect on protein structure/function; Has not been previously published as pathogenic or benign to our knowledge

Labcorp Genetics (formerly Invitae), Labcorp
Classification: Uncertain significance. Last evaluated: 2022-03-25. Review status: criteria provided, single submitter. Criteria: Invitae Variant Classification Sherloc (09022015). Collection method: clinical testing. Allele origin: germline.
Comment: In summary, the available evidence is currently insufficient to determine the role of this variant in disease. Therefore, it has been classified as a Variant of Uncertain Significance. Algorithms developed to predict the effect of missense changes on protein structure and function are either unavailable or do not agree on the potential impact of this missense change (SIFT: "Deleterious"; PolyPhen-2: "Possibly Damaging"; Align-GVGD: "Class C0"). This variant has not been reported in the literature in individuals affected with POLR3A-related conditions. This variant is present in population databases (rs770551721, gnomAD 0.02%). This sequence change replaces arginine, which is basic and polar, with glutamine, which is neutral and polar, at codon 669 of the POLR3A protein (p.Arg669Gln).